The following is an entry in ClinVar:

ClinVar aggregate classification (germline): Uncertain significance (1 of 4 stars; one submission).

Allele frequency attached by ClinVar (database versions not stated): ExAC 0.00001; gnomAD exomes 0.00002.

Submission:

Labcorp Genetics (formerly Invitae), Labcorp
Classification: Uncertain significance. Last evaluated: 2022-07-16. Review status: criteria provided, single submitter. Criteria: Invitae Variant Classification Sherloc (09022015). Collection method: clinical testing. Allele origin: germline.
Comment: This sequence change replaces valine, which is neutral and non-polar, with phenylalanine, which is neutral and non-polar, at codon 305 of the PCK1 protein (p.Val305Phe). This variant is present in population databases (rs752486702, gnomAD 0.002%). This variant has not been reported in the literature in individuals affected with PCK1-related conditions. Algorithms developed to predict the effect of missense changes on protein structure and function are either unavailable or do not agree on the potential impact of this missense change (SIFT: "Deleterious"; PolyPhen-2: "Probably Damaging"; Align-GVGD: "Class C0"). In summary, the available evidence is currently insufficient to determine the role of this variant in disease. Therefore, it has been classified as a Variant of Uncertain Significance.

NM_002591.4(PCK1):c.913G>T (p.Val305Phe)

Gene: PCK1 (phosphoenolpyruvate carboxykinase 1; plus strand). Cytogenetic location: 20q13.31.
Variant type: single nucleotide variant.
Coding change: c.913G>T on transcript NM_002591.4 (MANE Select); coding-DNA position 913, G replaced by T.
Protein change: p.Val305Phe; replaces valine 305 with phenylalanine.
Molecular consequence: missense variant.
Genome position (GRCh38, 1-based): chr20:57,563,679, G>T. VCF-style: chr20-57563679-G-T. GRCh37 (hg19) VCF-style: chr20-56138735-G-T.
Other names: short protein forms V305F.
Identifiers: ClinVar variation 2050011 (VCV002050011.4), dbSNP rs752486702, ClinGen allele CA9922204.